The following is an entry in ClinVar:

ClinVar aggregate classification (germline): Uncertain significance (1 of 4 stars; one submission).

Conditions:
Mucopolysaccharidosis, MPS-III-A (MPS3A). Also called: HEPARAN SULFATE SULFATASE DEFICIENCY; SANFILIPPO SYNDROME A; SULFAMIDASE DEFICIENCY; MPS III A; Mucopolysaccharidosis, type IIIA; MUCOPOLYSACCHARIDOSIS, TYPE IIIA, ATTENUATED. Identifiers: Orphanet 581, Orphanet 79269, MedGen C0086647, MONDO:0009655, OMIM 252900.

Allele frequency attached by ClinVar (database versions not stated): gnomAD 0.00001; gnomAD exomes below 0.00001.
gnomAD v4.1: 5 of 1,603,144 alleles (0.00031%); highest among the groups gnomAD compares: East Asian, 0.0022%; no homozygotes.

Submission:

Labcorp Genetics (formerly Invitae), Labcorp
Classification: Uncertain significance for Mucopolysaccharidosis, MPS-III-A. Last evaluated: 2021-10-05. Review status: criteria provided, single submitter. Criteria: Invitae Variant Classification Sherloc (09022015). Collection method: clinical testing. Allele origin: germline.
Comment: This sequence change replaces methionine with valine at codon 246 of the SGSH protein (p.Met246Val). The methionine residue is moderately conserved and there is a small physicochemical difference between methionine and valine. This variant is not present in population databases (ExAC no frequency). This variant has not been reported in the literature in individuals affected with SGSH-related conditions. Advanced modeling of protein sequence and biophysical properties (such as structural, functional, and spatial information, amino acid conservation, physicochemical variation, residue mobility, and thermodynamic stability) performed at Invitae indicates that this missense variant is expected to disrupt SGSH protein function. In summary, the available evidence is currently insufficient to determine the role of this variant in disease. Therefore, it has been classified as a Variant of Uncertain Significance.

NM_000199.5(SGSH):c.736A>G (p.Met246Val)

Gene: SGSH (N-sulfoglucosamine sulfohydrolase; minus strand). Cytogenetic location: 17q25.3.
Variant type: single nucleotide variant.
Coding change: c.736A>G on transcript NM_000199.5 (MANE Select); coding-DNA position 736, A replaced by G.
Protein change: p.Met246Val; replaces methionine 246 with valine.
Molecular consequence: missense variant. On other transcripts: non-coding transcript variant (1).
Genome position (GRCh38, 1-based): chr17:80,213,813, T>C on the plus strand (A>G on the coding strand, the complement: SGSH is on the minus strand). VCF-style: chr17-80213813-T-C. GRCh37 (hg19) VCF-style: chr17-78187612-T-C.
Other names: c.736A>G, p.Met246Val (NM_001352921.3, NM_001352922.2); short protein forms M246V.
Identifiers: ClinVar variation 2186029 (VCV002186029.1), dbSNP rs1292460855, ClinGen allele CA401361123.
Genomic context (GRCh38, chr17:80,213,813, plus strand): 5'-GGGGGACCCCGGCCGTGGCACCCCCTCCAGTGCCCGGTTCTGCAAGCCCACCTTGGTCCA[T>C]GCGGCCGACGGTGGTGTACTGAGCGGCCAGGTCGGCTCGGGCTGCCGGGGTGTTGGGGAC-3'
Protein context (NP_000190.1, residues 236-256): LAAQYTTVGR[Met246Val]DQGVGLVLQE